The following is an entry in ClinVar:

ClinVar aggregate classification (germline): Uncertain significance (1 of 4 stars; one submission).

Conditions:
Cardiovascular phenotype. Identifiers: MedGen CN230736.

Submission:

Ambry Genetics
Classification: Uncertain significance for Cardiovascular phenotype. Last evaluated: 2025-10-23. Review status: criteria provided, single submitter. Criteria: Ambry Variant Classification Scheme 2023. Collection method: clinical testing. Allele origin: germline.
Comment: The p.T1360I variant (also known as c.4079C>T), located in coding exon 10 of the TNXB gene, results from a C to T substitution at nucleotide position 4079. The threonine at codon 1360 is replaced by isoleucine, an amino acid with similar properties. This amino acid position is conserved. In addition, this alteration is predicted to be tolerated by in silico analysis. Based on the available evidence, the clinical significance of this variant remains unclear.

NM_001365276.2(TNXB):c.4079C>T (p.Thr1360Ile)

Gene: TNXB (tenascin XB; minus strand). Cytogenetic location: 6p21.33.
Variant type: single nucleotide variant.
Coding change: c.4079C>T on transcript NM_001365276.2 (MANE Select); coding-DNA position 4079, C replaced by T.
Protein change: p.Thr1360Ile; replaces threonine 1360 with isoleucine.
Molecular consequence: missense variant.
Genome position (GRCh38, 1-based): chr6:32,079,329, G>A on the plus strand (C>T on the coding strand, the complement: TNXB is on the minus strand). VCF-style: chr6-32079329-G-A. GRCh37 (hg19) VCF-style: chr6-32047106-G-A.
Other names: c.4820C>T, p.Thr1607Ile (NM_001428335.1); c.4079C>T, p.Thr1360Ile (NM_019105.8); short protein forms T1607I, T1360I.
Identifiers: ClinVar variation 4615157 (VCV004615157.1).